The following is an entry in ClinVar:

NM_001363118.2(SLC52A2):c.178C>T (p.Leu60=)

Gene: SLC52A2 (solute carrier family 52 member 2; plus strand). Cytogenetic location: 8q24.3.
Variant type: single nucleotide variant.
Coding change: c.178C>T on transcript NM_001363118.2 (MANE Select); coding-DNA position 178, C replaced by T.
Protein change: p.Leu60=; no amino-acid change (leucine 60 retained).
Molecular consequence: synonymous variant. On other transcripts: non-coding transcript variant (1), intron variant (1).
Genome position (GRCh38, 1-based): chr8:144,359,670, C>T. VCF-style: chr8-144359670-C-T. GRCh37 (hg19) VCF-style: chr8-145583330-C-T.
Other names: c.178C>T, p.Leu60= (NM_001253815.2, NM_001253816.2, NM_001363120.2 and 2 more transcripts); c.130+247C>T (NM_001363122.2).
Identifiers: ClinVar variation 390102 (VCV000390102.8), dbSNP rs201213634, ClinGen allele CA16605356.

ClinVar aggregate classification (germline): Likely benign. Review status: criteria provided, multiple submitters, no conflicts (2 of 4 stars). 3 submissions from 3 submitters: Likely benign (3). Last evaluated 2023-04-24.

Conditions:
Inborn genetic diseases. Identifiers: MedGen C0950123, MeSH D030342.
Brown-Vialetto-van Laere syndrome 2. Also called: Riboflavin transporter deficiency type 2; SPINOCEREBELLAR ATAXIA WITH BLINDNESS AND DEAFNESS 2. Identifiers: Orphanet 572543, Orphanet 97229, MedGen C3553538, MONDO:0013867, OMIM 614707.

Allele frequency attached by ClinVar (database versions not stated): gnomAD exomes 0.00001; gnomAD 0.00001; TOPMed below 0.00001.

Submissions (3):

Labcorp Genetics (formerly Invitae), Labcorp
Classification: Likely benign for Brown-Vialetto-van Laere syndrome 2. Last evaluated: 2023-04-24. Review status: criteria provided, single submitter. Criteria: Invitae Variant Classification Sherloc (09022015). Collection method: clinical testing. Allele origin: germline.

Ambry Genetics
Classification: Likely benign for Inborn genetic diseases. Last evaluated: 2019-07-11. Review status: criteria provided, single submitter. Criteria: Ambry Variant Classification Scheme 2023. Collection method: clinical testing. Allele origin: germline.

GeneDx
Classification: Likely benign. Last evaluated: 2016-10-18. Review status: criteria provided, single submitter. Criteria: GeneDx Variant Classification (06012015). Collection method: clinical testing. Allele origin: germline. Affected: yes.
Comment: This variant is considered likely benign or benign based on one or more of the following criteria: it is a conservative change, it occurs at a poorly conserved position in the protein, it is predicted to be benign by multiple in silico algorithms, and/or has population frequency not consistent with disease.